The following is an entry in ClinVar:

ClinVar aggregate classification (germline): Conflicting classifications of pathogenicity. Review status: criteria provided, conflicting classifications (1 of 4 stars). 2 submissions from 2 submitters: Uncertain significance (1); Likely benign (1). Last evaluated 2023-04-01.

Conditions:
Loeys-Dietz syndrome 1 (LDS1). Also called: FURLONG SYNDROME; AORTIC ANEURYSM, FAMILIAL THORACIC 5; TGFBR1-Related Loeys-Dietz Syndrome. Identifiers: Orphanet 60030, MedGen C4551955, MONDO:0012212, OMIM 609192.

Submissions (4):

CeGaT Center for Human Genetics Tuebingen
Classification: Likely benign. Last evaluated: 2023-04-01. Review status: criteria provided, single submitter. Criteria: CeGaT Center For Human Genetics Tuebingen Variant Classification Criteria Version 2. Collection method: clinical testing. Allele origin: germline. Affected: yes. Observed: 5 variant alleles.
Comment: TGFBR1: BS1

Illumina Laboratory Services, Illumina
Classification: Uncertain significance for Loeys-Dietz syndrome 1. Last evaluated: 2018-01-12. Review status: criteria provided, single submitter. Criteria: ICSL Variant Classification Criteria 13 December 2019. Collection method: clinical testing. Allele origin: germline.

Dr. Peter K. Rogan Lab, Western University
No classification provided (evidence only). Condition: Acute myeloid leukemia. Review status: no classification provided. Collection method: in vitro. Allele origin: not applicable. Functional consequence: retained intron. Not counted in ClinVar's aggregate classification.

Dr. Peter K. Rogan Lab, Western University
No classification provided (evidence only). Condition: Sarcoma. Review status: no classification provided. Collection method: in vitro. Allele origin: not applicable. Functional consequence: retained intron. Not counted in ClinVar's aggregate classification.

NM_004612.4(TGFBR1):c.*2106G>T

Gene: TGFBR1 (transforming growth factor beta receptor 1; plus strand). Cytogenetic location: 9q22.33.
Variant type: single nucleotide variant.
Coding change: c.*2106G>T on transcript NM_004612.4 (MANE Select); 2106 bases downstream of the stop codon, G replaced by T.
Molecular consequence: 3 prime UTR variant.
Genome position (GRCh38, 1-based): chr9:99,151,411, G>T. VCF-style: chr9-99151411-G-T. GRCh37 (hg19) VCF-style: chr9-101913693-G-T.
Other names: NC_000009.11:g.101913693G>T; c.*2106G>T (NM_001130916.3, NM_001306210.2).
Identifiers: ClinVar variation 364142 (VCV000364142.38), dbSNP rs201054018, ClinGen allele CA10634320.
Genomic context (GRCh38, chr9:99,151,411, plus strand): 5'-CTCTAATTCTGTGATCAGGTACTTTTTTTGTGGGGGTTTTTTTTTTGTTTTTTTTTTTTT[G>T]TTGTTGTTTTTGGGCCATTTCTAAGCCTACCAGATCTGCTTTATGAAATCCAGGGGACCA-3'